The following is an entry in ClinVar:

NM_004304.5(ALK):c.1547-5C>T

Gene: ALK (ALK receptor tyrosine kinase; minus strand). Cytogenetic location: 2p23.2.
Variant type: single nucleotide variant.
Coding change: c.1547-5C>T on transcript NM_004304.5 (MANE Select); 5 bases into the intron before coding-DNA position 1547, C replaced by T.
Molecular consequence: intron variant.
Genome position (GRCh38, 1-based): chr2:29,318,409, G>A on the plus strand (C>T on the coding strand, the complement: ALK is on the minus strand). VCF-style: chr2-29318409-G-A. GRCh37 (hg19) VCF-style: chr2-29541275-G-A.
Identifiers: ClinVar variation 700254 (VCV000700254.12), dbSNP rs764739691, ClinGen allele CA1594614.
Genomic context (GRCh38, chr2:29,318,409, plus strand): 5'-CACTGTAGCACTTTCAGAAGCGGGGACATCAGTGGTACTGAGCAATAGAGCATGGTCTAG[G>A]AGAGAGGAAAAGAATCACAAGCACGCCATTATCAGGAACTGGGGGACCAGGGGTGCAGGG-3'

ClinVar aggregate classification (germline): Conflicting classifications of pathogenicity. Review status: criteria provided, conflicting classifications (1 of 4 stars). 2 submissions from 2 submitters: Uncertain significance (1); Benign (1). Last evaluated 2026-04-13.

Conditions:
Hereditary cancer-predisposing syndrome. Also called: Neoplastic Syndromes, Hereditary; Hereditary neoplastic syndrome; Hereditary Cancer Syndrome; Tumor predisposition. Identifiers: Orphanet 140162, MedGen C0027672, MeSH D009386, MONDO:0015356.
Neuroblastoma, susceptibility to, 3. Also called: ALK-Related Neuroblastic Tumor Susceptibility. Identifiers: Orphanet 635, MedGen C2751681, MONDO:0013083, OMIM 613014.

Allele frequency attached by ClinVar (database versions not stated): ExAC 0.00016; TOPMed below 0.00001; gnomAD 0.00008 and 0.00007; gnomAD exomes 0.00012.
gnomAD v4.1: 72 of 1,604,700 alleles (0.0045%); highest among the groups gnomAD compares: Non-Finnish European, 0.00051%; no homozygotes.

Submissions (2):

Ambry Genetics
Classification: Uncertain significance for Hereditary cancer-predisposing syndrome. Last evaluated: 2026-04-13. Review status: criteria provided, single submitter. Criteria: Ambry Variant Classification Scheme 2023. Collection method: clinical testing. Allele origin: germline.
Comment: The c.1547-5C>T intronic variant results from a C to T substitution 5 nucleotides upstream from coding exon 8 in the ALK gene. This nucleotide position is well conserved in available vertebrate species. In silico splice site analysis predicts that this alteration will not have any significant effect on splicing. Based on the available evidence, the clinical significance of this variant remains unclear.

Labcorp Genetics (formerly Invitae), Labcorp
Classification: Benign for Neuroblastoma, susceptibility to, 3. Last evaluated: 2025-07-30. Review status: criteria provided, single submitter. Criteria: Invitae Variant Classification Sherloc (09022015). Collection method: clinical testing. Allele origin: germline.